The following is an entry in ClinVar:

NM_000051.4(ATM):c.2433A>G (p.Leu811=)

Gene: ATM (ATM serine/threonine kinase; plus strand). Cytogenetic location: 11q22.3.
Variant type: single nucleotide variant.
Coding change: c.2433A>G on transcript NM_000051.4 (MANE Select); coding-DNA position 2433, A replaced by G.
Protein change: p.Leu811=; no amino-acid change (leucine 811 retained).
Molecular consequence: synonymous variant.
Genome position (GRCh38, 1-based): chr11:108,259,042, A>G. VCF-style: chr11-108259042-A-G. GRCh37 (hg19) VCF-style: chr11-108129769-A-G.
Other names: c.2433A>G, p.Leu811= (NM_001351834.2).
Identifiers: ClinVar variation 3254103 (VCV003254103.2), dbSNP rs749275455.
Genomic context (GRCh38, chr11:108,259,042, plus strand): 5'-GCAGAAGAGTCCAAATAAGATTGCATCTGGCTTTTTCCTGCGATTGTTAACATCAAAGCT[A>G]ATGAATGACATTGCAGATATTTGTAAAAGTTTAGTAAGTATGCTTCCTGTTTTGCTATCA-3'
Protein context (NP_000042.3, residues 801-821): GFFLRLLTSK[Leu811=]MNDIADICKS

ClinVar aggregate classification (germline): Benign/Likely benign. Review status: criteria provided, multiple submitters, no conflicts (2 of 4 stars). 2 submissions from 2 submitters: Benign (1); Likely benign (1). Last evaluated 2025-10-27.

Conditions:
Familial cancer of breast. Also called: BREAST CANCER, FAMILIAL; Hereditary breast cancer; hereditary breast carcinoma. Identifiers: Orphanet 227535, MedGen C0346153, MONDO:0016419, OMIM 114480. Disease mechanism: loss of function.
Hereditary cancer-predisposing syndrome. Also called: Hereditary Cancer Syndrome; Tumor predisposition; Hereditary neoplastic syndrome; Neoplastic Syndromes, Hereditary. Identifiers: Orphanet 140162, MedGen C0027672, MeSH D009386, MONDO:0015356.

Submissions (2):

Ambry Genetics
Classification: Likely benign for Hereditary cancer-predisposing syndrome. Last evaluated: 2025-10-27. Review status: criteria provided, single submitter. Criteria: Ambry Variant Classification Scheme 2023. Collection method: clinical testing. Allele origin: germline.

Myriad Genetics, Inc.
Classification: Benign for Familial cancer of breast. Last evaluated: 2024-05-08. Review status: criteria provided, single submitter. Criteria: Myriad Autosomal Dominant, Autosomal Recessive and X-Linked Classification Criteria (2023). Collection method: clinical testing. Allele origin: unknown.
Comment: This variant is considered benign. This variant is a silent/synonymous amino acid change and it is not expected to impact splicing.